The following is an entry in ClinVar:

NM_020987.5(ANK3):c.7799A>G (p.Glu2600Gly)

Gene: ANK3 (ankyrin 3; minus strand). Cytogenetic location: 10q21.2.
Variant type: single nucleotide variant.
Coding change: c.7799A>G on transcript NM_020987.5 (MANE Select); coding-DNA position 7799, A replaced by G.
Protein change: p.Glu2600Gly; replaces glutamic acid 2600 with glycine.
Molecular consequence: missense variant. On other transcripts: intron variant (4).
Genome position (GRCh38, 1-based): chr10:60,073,082, T>C on the plus strand (A>G on the coding strand, the complement: ANK3 is on the minus strand). VCF-style: chr10-60073082-T-C. GRCh37 (hg19) VCF-style: chr10-61832840-T-C.
Other names: c.4388-5073A>G (NM_001204403.2); c.4409-5073A>G (NM_001204404.2); c.4406-5073A>G (NM_001320874.2); c.1808-5073A>G (NM_001149.4); short protein forms E2600G.
Identifiers: ClinVar variation 5017752 (VCV005017752.1).

ClinVar aggregate classification (germline): Uncertain significance (1 of 4 stars; one submission).

Submission:

GeneDx
Classification: Uncertain significance. Last evaluated: 2026-03-27. Review status: criteria provided, single submitter. Criteria: GeneDx Variant Classification Process June 2021. Collection method: clinical testing. Allele origin: germline.
Comment: Not observed at significant frequency in large population cohorts (gnomAD); In silico analysis suggests that this missense variant does not alter protein structure/function; Has not been previously published as pathogenic or benign to our knowledge